The following is an entry in ClinVar:

ClinVar aggregate classification (germline): Uncertain significance (1 of 4 stars; one submission).

Submission:

Labcorp Genetics (formerly Invitae), Labcorp
Classification: Uncertain significance. Last evaluated: 2024-12-05. Review status: criteria provided, single submitter. Criteria: Invitae Variant Classification Sherloc (09022015). Collection method: clinical testing. Allele origin: germline.
Comment: This sequence change replaces arginine, which is basic and polar, with leucine, which is neutral and non-polar, at codon 177 of the WFS1 protein (p.Arg177Leu). This variant is not present in population databases (gnomAD no frequency). This variant has not been reported in the literature in individuals affected with WFS1-related conditions. Invitae Evidence Modeling of protein sequence and biophysical properties (such as structural, functional, and spatial information, amino acid conservation, physicochemical variation, residue mobility, and thermodynamic stability) indicates that this missense variant is not expected to disrupt WFS1 protein function with a negative predictive value of 80%. This variant disrupts the p.Arg177 amino acid residue in WFS1. Other variant(s) that disrupt this residue have been determined to be pathogenic (PMID: 29183106, 33841295; internal data). This suggests that this residue is clinically significant, and that variants that disrupt this residue are likely to be disease-causing. In summary, the available evidence is currently insufficient to determine the role of this variant in disease. Therefore, it has been classified as a Variant of Uncertain Significance.

Literature cited by the submitters: PubMed 29183106; PubMed 33841295.

NM_006005.3(WFS1):c.530G>T (p.Arg177Leu)

Gene: WFS1 (wolframin ER transmembrane glycoprotein; plus strand). Cytogenetic location: 4p16.1.
Variant type: single nucleotide variant.
Coding change: c.530G>T on transcript NM_006005.3 (MANE Select); coding-DNA position 530, G replaced by T.
Protein change: p.Arg177Leu; replaces arginine 177 with leucine.
Molecular consequence: missense variant.
Genome position (GRCh38, 1-based): chr4:6,291,266, G>T. VCF-style: chr4-6291266-G-T. GRCh37 (hg19) VCF-style: chr4-6292993-G-T.
Other names: c.530G>T, p.Arg177Leu (NM_001145853.1); short protein forms R177L.
Identifiers: ClinVar variation 3701899 (VCV003701899.2).